The following is an entry in ClinVar:

ClinVar aggregate classification (germline): Uncertain significance. Review status: criteria provided, multiple submitters, no conflicts (2 of 4 stars). 2 submissions from 2 submitters: Uncertain significance (2). Last evaluated 2022-12-05.

Allele frequency attached by ClinVar (database versions not stated): TOPMed below 0.00001; ExAC 0.00001; gnomAD 0.00001; gnomAD exomes 0.00001.

Submissions (2):

Blueprint Genetics
Classification: Uncertain significance. Last evaluated: 2022-12-05. Review status: criteria provided, single submitter. Criteria: ACMG Guidelines, 2015. Collection method: clinical testing. Allele origin: germline.

Labcorp Genetics (formerly Invitae), Labcorp
Classification: Uncertain significance. Last evaluated: 2022-03-14. Review status: criteria provided, single submitter. Criteria: Invitae Variant Classification Sherloc (09022015). Collection method: clinical testing. Allele origin: germline.
Comment: In summary, the available evidence is currently insufficient to determine the role of this variant in disease. Therefore, it has been classified as a Variant of Uncertain Significance. Variants that disrupt the consensus splice site are a relatively common cause of aberrant splicing (PMID: 17576681, 9536098). Algorithms developed to predict the effect of sequence changes on RNA splicing suggest that this variant may disrupt the consensus splice site. Algorithms developed to predict the effect of missense changes on protein structure and function are either unavailable or do not agree on the potential impact of this missense change (SIFT: "Deleterious"; PolyPhen-2: "Possibly Damaging"; Align-GVGD: "Class C15"). This variant has not been reported in the literature in individuals affected with IMPDH1-related conditions. This variant is not present in population databases (gnomAD no frequency). This sequence change replaces valine, which is neutral and non-polar, with methionine, which is neutral and non-polar, at codon 389 of the IMPDH1 protein (p.Val389Met). This variant also falls at the last nucleotide of exon 11, which is part of the consensus splice site for this exon.

Literature cited by the submitters: PubMed 17576681 (cited by Labcorp Genetics (formerly Invitae), Labcorp); PubMed 9536098 (cited by Labcorp Genetics (formerly Invitae), Labcorp).

NM_000883.4(IMPDH1):c.1165G>A (p.Val389Met)

Gene: IMPDH1 (inosine monophosphate dehydrogenase 1; minus strand). Cytogenetic location: 7q32.1.
Variant type: single nucleotide variant.
Coding change: c.1165G>A on transcript NM_000883.4 (MANE Select); coding-DNA position 1165, G replaced by A.
Protein change: p.Val389Met; replaces valine 389 with methionine.
Molecular consequence: missense variant.
Genome position (GRCh38, 1-based): chr7:128,396,932, C>T on the plus strand (G>A on the coding strand, the complement: IMPDH1 is on the minus strand). VCF-style: chr7-128396932-C-T. GRCh37 (hg19) VCF-style: chr7-128036986-C-T.
Other names: c.1135G>A, p.Val379Met (NM_001102605.2); c.910G>A, p.Val304Met (NM_001142573.2); c.895G>A, p.Val299Met (NM_001142574.2); c.835G>A, p.Val279Met (NM_001142575.2); c.1066G>A, p.Val356Met (NM_001142576.2); c.958G>A, p.Val320Met (NM_001304521.2); c.1057G>A, p.Val353Met (NM_183243.3); short protein forms V299M, V320M, V356M, V379M, V389M, V304M, V353M, V279M.
Identifiers: ClinVar variation 2150384 (VCV002150384.5), dbSNP rs747661109, ClinGen allele CA4470924.